The following is an entry in ClinVar:

ClinVar aggregate classification (germline): Uncertain significance (1 of 4 stars; one submission).

Conditions:
Cardiovascular phenotype. Identifiers: MedGen CN230736.

Submission:

Ambry Genetics
Classification: Uncertain significance for Cardiovascular phenotype. Last evaluated: 2023-05-04. Review status: criteria provided, single submitter. Criteria: Ambry Variant Classification Scheme 2023. Collection method: clinical testing. Allele origin: germline.
Comment: The p.K6N variant (also known as c.18G>C), located in coding exon 1 of the TRPM4 gene, results from a G to C substitution at nucleotide position 18. The lysine at codon 6 is replaced by asparagine, an amino acid with similar properties. This amino acid position is conserved. In addition, this alteration is predicted to be tolerated by in silico analysis. Since supporting evidence is limited at this time, the clinical significance of this alteration remains unclear.

NM_017636.4(TRPM4):c.18G>C (p.Lys6Asn)

Gene: TRPM4 (transient receptor potential cation channel subfamily M member 4; plus strand). Cytogenetic location: 19q13.33.
Variant type: single nucleotide variant.
Coding change: c.18G>C on transcript NM_017636.4 (MANE Select); coding-DNA position 18, G replaced by C.
Protein change: p.Lys6Asn; replaces lysine 6 with asparagine.
Molecular consequence: missense variant. On other transcripts: 5 prime UTR variant (3).
Genome position (GRCh38, 1-based): chr19:49,157,884, G>C. VCF-style: chr19-49157884-G-C. GRCh37 (hg19) VCF-style: chr19-49661141-G-C.
Other names: c.18G>C, p.Lys6Asn (NM_001195227.2, NM_001321281.2); c.-1355G>C (NM_001321282.2); c.-149G>C (NM_001321283.2); c.-312G>C (NM_001321285.2); short protein forms K6N.
Identifiers: ClinVar variation 2563509 (VCV002563509.2), dbSNP rs2122723185, ClinGen allele CA406787698.